The following is an entry in ClinVar:

NM_001001563.5(TIMM50):c.492+7C>T

Gene: TIMM50 (translocase of inner mitochondrial membrane 50; plus strand). Cytogenetic location: 19q13.2.
Variant type: single nucleotide variant.
Coding change: c.492+7C>T on transcript NM_001001563.5 (MANE Select); 7 bases into the intron after coding-DNA position 492, C replaced by T.
Molecular consequence: intron variant.
Genome position (GRCh38, 1-based): chr19:39,485,814, C>T. VCF-style: chr19-39485814-C-T. GRCh37 (hg19) VCF-style: chr19-39976454-C-T.
Other names: c.801+7C>T (NM_001001563.3); c.153+7C>T (NM_001329559.2).
Identifiers: ClinVar variation 1635493 (VCV001635493.9), dbSNP rs201484883, ClinGen allele CA9431844.

ClinVar aggregate classification (germline): Likely benign. Review status: criteria provided, multiple submitters, no conflicts (2 of 4 stars). 2 submissions from 2 submitters: Likely benign (2). Last evaluated 2025-09-24.

Conditions:
TIMM50-related disorder. Also called: TIMM50-related condition.

Allele frequency attached by ClinVar (database versions not stated): ExAC 0.00008; gnomAD 0.00009; TOPMed 0.00009; 1000 Genomes Project 30x 0.00016; 1000 Genomes Project 0.00020; ESP Exome Variant Server 0.00023.
gnomAD v4.1: 100 of 1,614,010 alleles (0.0062%); highest among the groups gnomAD compares: African/African-American, 0.024%; no homozygotes.

Submissions (2):

PreventionGenetics, part of Exact Sciences
Classification: Likely benign for TIMM50-related condition. Last evaluated: 2025-09-24. Review status: criteria provided, single submitter. Criteria: ACMG Guidelines, 2015. Collection method: clinical testing. Allele origin: germline.
Comment: This variant is classified as likely benign based on ACMG/AMP sequence variant interpretation guidelines (Richards et al. 2015 PMID: 25741868, with internal and published modifications).

Labcorp Genetics (formerly Invitae), Labcorp
Classification: Likely benign. Last evaluated: 2025-06-22. Review status: criteria provided, single submitter. Criteria: Invitae Variant Classification Sherloc (09022015). Collection method: clinical testing. Allele origin: germline.